The following is an entry in ClinVar:

NM_001042492.3(NF1):c.8059_8060del (p.Ser2687fs)

Gene: NF1 (neurofibromin 1; plus strand). Cytogenetic location: 17q11.2.
Variant type: Microsatellite.
Coding change: c.8059_8060del on transcript NM_001042492.3 (MANE Select); coding-DNA positions 8059 to 8060, 2 bases deleted (AG; older notation c.8059_8060delAG).
Protein change: p.Ser2687fs; shifts the reading frame from serine 2687.
Molecular consequence: frameshift variant.
Genome position (GRCh38, 1-based): chr17:31,358,568-31,358,569, AG deleted; deleting any 2 consecutive bases within chr17:31,358,566-31,358,569 gives the same sequence; the c. name uses the placement nearest the transcript's 3' end. VCF-style (leftmost placement, unchanged base first): chr17-31358565-CAG-C. GRCh37 (hg19) VCF-style: chr17-29685583-CAG-C.
Other names: c.8059_8060delAG (NM_001042492.2); c.7996_7997delAG (NM_000267.3); c.7994_7995AG[1], p.Ser2666Cysfs (NM_000267.4); short protein forms S2666fs, S2687fs.
Identifiers: ClinVar variation 404618 (VCV000404618.19), dbSNP rs1060500387, ClinGen allele CA16615697.
Genomic context (GRCh38, chr17:31,358,565, plus strand): 5'-AACACCCTGTTATCATTGTGCCAAGATCCAAATTTGTTAAATCCAATCCATGGAATTGTG[CAG>C]AGTGTGGTGTACCATGAAGAATCCCCACCACAATACCAAACATCTTACCTGCAAAGTAAA-3'

ClinVar aggregate classification (germline): Pathogenic. Review status: criteria provided, multiple submitters, no conflicts (2 of 4 stars). 9 submissions from 9 submitters: Pathogenic (9). Last evaluated 2026-04-01.

Conditions:
NF1-related disorder. Also called: NF1-related condition. Identifiers: MedGen CN379171.
Hereditary cancer-predisposing syndrome. Also called: Neoplastic Syndromes, Hereditary; Tumor predisposition; Hereditary Cancer Syndrome; Hereditary neoplastic syndrome. Identifiers: Orphanet 140162, MedGen C0027672, MeSH D009386, MONDO:0015356.
Juvenile myelomonocytic leukemia (JMML). Also called: LEUKEMIA, JUVENILE MYELOMONOCYTIC, SOMATIC. Identifiers: Orphanet 86834, MedGen C0349639, MONDO:0011908, OMIM 607785, HP:0012209.
Neurofibromatosis, type 1 (NF1). Also called: VON RECKLINGHAUSEN DISEASE; NEUROFIBROMATOSIS, TYPE I, SOMATIC; Peripheral type neurofibromatosis; Neurofibromatosis, type I. Identifiers: Orphanet 636, MedGen C0027831, MONDO:0018975, OMIM 162200. Disease mechanism: loss of function.

Submissions (9):

Department of Genetics, Sultan Qaboos University Hospital
Classification: Pathogenic for Neurofibromatosis, type 1. Last evaluated: 2026-04-01. Review status: criteria provided, single submitter. Criteria: ACMG Guidelines, 2015. Collection method: clinical testing. Allele origin: germline. Affected: yes. Observed: 1 variant allele.
Comment: PVS1,PM2,PP5_Very_Strong

Labcorp Genetics (formerly Invitae), Labcorp
Classification: Pathogenic for Neurofibromatosis, type 1. Last evaluated: 2024-11-10. Review status: criteria provided, single submitter. Criteria: Invitae Variant Classification Sherloc (09022015). Collection method: clinical testing. Allele origin: germline.
Comment: This sequence change creates a premature translational stop signal (p.Ser2666Cysfs*5) in the NF1 gene. It is expected to result in an absent or disrupted protein product. Loss-of-function variants in NF1 are known to be pathogenic (PMID: 10712197, 23913538). This variant is not present in population databases (gnomAD no frequency). This premature translational stop signal has been observed in individual(s) with neurofibromatosis type 1 (PMID: 23913538, 25541118). ClinVar contains an entry for this variant (Variation ID: 404618). For these reasons, this variant has been classified as Pathogenic.

Blueprint Genetics
Classification: Pathogenic for NF1-related disorders. Last evaluated: 2024-09-24. Review status: criteria provided, single submitter. Criteria: ACMG Guidelines, 2015. Collection method: clinical testing. Allele origin: germline. Affected: yes. Observed: 3 variant alleles.

Baylor Genetics
Classification: Pathogenic for Juvenile myelomonocytic leukemia. Last evaluated: 2023-08-01. Review status: criteria provided, single submitter. Criteria: ACMG Guidelines, 2015. Collection method: clinical testing. Allele origin: unknown.

Genome-Nilou Lab
Classification: Pathogenic for Neurofibromatosis, type 1. Last evaluated: 2022-03-15. Review status: criteria provided, single submitter. Criteria: ACMG Guidelines, 2015. Collection method: clinical testing. Allele origin: germline. Affected: no.

GeneDx
Classification: Pathogenic. Last evaluated: 2021-12-21. Review status: criteria provided, single submitter. Criteria: GeneDx Variant Classification Process June 2021. Collection method: clinical testing. Allele origin: germline. Affected: yes.
Comment: Frameshift variant predicted to result in protein truncation or nonsense mediated decay in a gene for which loss-of-function is a known mechanism of disease; Not observed at significant frequency in large population cohorts (Lek et al., 2016); This variant is associated with the following publications: (PMID: 25541118, 23913538, 27535533, 29290338)

Genome Diagnostics Laboratory, The Hospital for Sick Children
Classification: Pathogenic for Neurofibromatosis, type 1. Last evaluated: 2020-10-26. Review status: criteria provided, single submitter. Criteria: ACMG Guidelines, 2015. Collection method: clinical testing. Allele origin: germline. Affected: yes.

Women's Health and Genetics/Laboratory Corporation of America, LabCorp
Classification: Pathogenic for Neurofibromatosis, type 1. Last evaluated: 2019-02-15. Review status: criteria provided, single submitter. Criteria: LabCorp Variant Classification Summary - May 2015. Collection method: clinical testing. Allele origin: germline.
Comment: Variant summary: The variant, NF1 c.7996_7997delAG (p.Ser2666CysfsX5) results in a premature termination codon, predicted to cause a truncation of the encoded protein or absence of the protein due to nonsense mediated decay, which are commonly known mechanisms for disease. The variant was absent in 246110 control chromosomes (gnomAD) and has been reported in the literature in multiple individuals affected with Neurofibromatosis Type 1 (Sabbagh_2013, Rodriguez_2015). In Koczkowska et al, this variant was found to segregate in a family where 6 members were affected (Koczkowska_2018). These data indicate that the variant is very likely to be associated with disease. To our knowledge, no experimental evidence demonstrating an impact on protein function has been reported. One clinical diagnostic laboratory has submitted clinical-significance assessments for this variant to ClinVar after 2014 without evidence for independent evaluation and classified the variant as pathogenic. Based on the evidence outlined above, the variant was classified as pathogenic.

Ambry Genetics
Classification: Pathogenic for Hereditary cancer-predisposing syndrome. Last evaluated: 2014-10-21. Review status: criteria provided, single submitter. Criteria: Ambry Autosomal Dominant and X-Linked criteria (10/2015). Collection method: clinical testing. Allele origin: germline. Observed: 1 variant allele.
Comment: The c.8059_8060delAG pathogenic mutation, located in coding exon 55 of the NF1 gene, results from a deletion of two nucleotides between positions 8059 and 8060, causing a translational frameshift with a predicted alternate stop codon.<span data-redactor="verified" style="background-color: initial;">This nucleotide position is well conserved in available vertebrate species. In addition, s<span data-redactor="verified" style="background-color: initial;">ince frameshifts are typically deleterious in nature, this alteration is interpreted as a disease-causing mutation (ACMG Recommendations for Standards for Interpretation and Reporting of Sequence Variations. Revision 2007. Genet Med. 2008;10:294).

Literature cited by the submitters: PubMed 10712197 (cited by Labcorp Genetics (formerly Invitae), Labcorp); PubMed 23913538 (cited by Labcorp Genetics (formerly Invitae), Labcorp and Women's Health and Genetics/Laboratory Corporation of America, LabCorp); PubMed 25541118 (cited by Labcorp Genetics (formerly Invitae), Labcorp and Women's Health and Genetics/Laboratory Corporation of America, LabCorp); PubMed 29290338 (cited by Women's Health and Genetics/Laboratory Corporation of America, LabCorp).